The following is an entry in ClinVar:

NM_001372.4(DNAH9):c.3211G>T (p.Glu1071Ter)

Genes: DNAH9 (dynein axonemal heavy chain 9; plus strand), LOC126862505 (BRD4-independent group 4 enhancer GRCh37_chr17:11572478-11573677; plus strand). Cytogenetic location: 17p12.
Variant type: single nucleotide variant.
Coding change: c.3211G>T on transcript NM_001372.4 (MANE Select); coding-DNA position 3211, G replaced by T.
Protein change: p.Glu1071Ter; replaces glutamic acid 1071 with a stop codon.
Molecular consequence: nonsense.
Genome position (GRCh38, 1-based): chr17:11,669,652, G>T. VCF-style: chr17-11669652-G-T. GRCh37 (hg19) VCF-style: chr17-11572969-G-T.
Other names: short protein forms E1071*.
Identifiers: ClinVar variation 4775852 (VCV004775852.1).

ClinVar aggregate classification (germline): Pathogenic (1 of 4 stars; one submission).

gnomAD v4.1: 2 of 1,614,184 alleles (0.00012%); highest among the groups gnomAD compares: Middle Eastern, 0.016%; no homozygotes.

Submission:

Labcorp Genetics (formerly Invitae), Labcorp
Classification: Pathogenic. Last evaluated: 2025-12-16. Review status: criteria provided, single submitter. Criteria: Invitae Variant Classification Sherloc (09022015). Collection method: clinical testing. Allele origin: germline.
Comment: This sequence change creates a premature translational stop signal (p.Glu1071*) in the DNAH9 gene. It is expected to result in an absent or disrupted protein product. Loss-of-function variants in DNAH9 are known to be pathogenic (PMID: 30471718). This variant is not present in population databases (gnomAD no frequency). This variant has not been reported in the literature in individuals affected with DNAH9-related conditions. For these reasons, this variant has been classified as Pathogenic.

Literature cited by the submitters: PubMed 30471718.